The following is an entry in ClinVar:

NC_000020.10:g.(?_62037997)_(62071081_?)del

Gene: KCNQ2 (potassium voltage-gated channel subfamily Q member 2; minus strand). Cytogenetic location: 20q13.33.
Variant type: Deletion.
Identifiers: ClinVar variation 3248243 (VCV003248243.1).

ClinVar aggregate classification (germline): Pathogenic (1 of 4 stars; one submission).

Conditions:
Developmental and epileptic encephalopathy. Identifiers: MedGen C5779964, MONDO:0100620.

Submission:

Labcorp Genetics (formerly Invitae), Labcorp
Classification: Pathogenic for Early-infantile DEE. Last evaluated: 2022-07-27. Review status: criteria provided, single submitter. Criteria: Invitae Variant Classification Sherloc (09022015). Collection method: clinical testing. Allele origin: unknown.
Comment: This variant is a gross deletion of the genomic region encompassing exon(s) 6-17 of the KCNQ2 gene, which includes the termination codon. This deletion extends beyond the assayed region for this gene and therefore may encompass additional genes. While this deletion is not anticipated to lead to nonsense mediated decay, it is expected to alter mRNA translation or result in a truncated protein product. This variant has not been reported in the literature in individuals affected with KCNQ2-related conditions. The region of the KCNQ2 gene that includes exon(s) 13-17 has been determined to be clinically significant (PMID: 9425895, 23360469; Invitae). Therefore, deletions that encompass that region are likely to be disease-causing. For these reasons, this variant has been classified as Pathogenic.

Literature cited by the submitters: PubMed 9425895; PubMed 23360469.